The following is an entry in ClinVar:

ClinVar aggregate classification (germline): Uncertain significance. Review status: criteria provided, multiple submitters, no conflicts (2 of 4 stars). 2 submissions from 2 submitters: Uncertain significance (2). Last evaluated 2024-02-27.

Conditions:
Familial hemophagocytic lymphohistiocytosis 2 (FHL2). Also called: PRF1-Related Familial Hemophagocytic Lymphohistiocytosis (PRF1-fHLH). Identifiers: Orphanet 540, MedGen C1863727, MONDO:0011337, OMIM 603553.
Inborn genetic diseases. Identifiers: MedGen C0950123, MeSH D030342.

Allele frequency attached by ClinVar (database versions not stated): gnomAD 0.00001; TOPMed 0.00001; gnomAD exomes 0.00003 and 0.00007; ExAC 0.00008.

Submissions (2):

Ambry Genetics
Classification: Uncertain significance for Inborn genetic diseases. Last evaluated: 2024-02-27. Review status: criteria provided, single submitter. Criteria: Ambry Variant Classification Scheme 2023. Collection method: clinical testing. Allele origin: germline.

Labcorp Genetics (formerly Invitae), Labcorp
Classification: Uncertain significance for Familial hemophagocytic lymphohistiocytosis 2. Last evaluated: 2022-07-06. Review status: criteria provided, single submitter. Criteria: Invitae Variant Classification Sherloc (09022015). Collection method: clinical testing. Allele origin: germline.
Comment: This sequence change replaces serine, which is neutral and polar, with leucine, which is neutral and non-polar, at codon 400 of the PRF1 protein (p.Ser400Leu). This variant is present in population databases (rs778335116, gnomAD 0.05%). This variant has not been reported in the literature in individuals affected with PRF1-related conditions. ClinVar contains an entry for this variant (Variation ID: 1466033). Algorithms developed to predict the effect of missense changes on protein structure and function are either unavailable or do not agree on the potential impact of this missense change (SIFT: "Deleterious"; PolyPhen-2: "Benign"; Align-GVGD: "Class C0"). In summary, the available evidence is currently insufficient to determine the role of this variant in disease. Therefore, it has been classified as a Variant of Uncertain Significance.

NM_001083116.3(PRF1):c.1199C>T (p.Ser400Leu)

Gene: PRF1 (perforin 1; minus strand). Cytogenetic location: 10q22.1.
Variant type: single nucleotide variant.
Coding change: c.1199C>T on transcript NM_001083116.3 (MANE Select); coding-DNA position 1199, C replaced by T.
Protein change: p.Ser400Leu; replaces serine 400 with leucine.
Molecular consequence: missense variant.
Genome position (GRCh38, 1-based): chr10:70,598,522, G>A on the plus strand (C>T on the coding strand, the complement: PRF1 is on the minus strand). VCF-style: chr10-70598522-G-A. GRCh37 (hg19) VCF-style: chr10-72358278-G-A.
Other names: c.1199C>T, p.Ser400Leu (NM_005041.6); c.1199C>T (NM_001083116.1); short protein forms S400L.
Identifiers: ClinVar variation 1466033 (VCV001466033.4), dbSNP rs778335116, ClinGen allele CA5538798.